The following is an entry in ClinVar:

NM_006846.4(SPINK5):c.1221-8T>C

Gene: SPINK5 (serine peptidase inhibitor Kazal type 5; plus strand). Cytogenetic location: 5q32.
Variant type: single nucleotide variant.
Coding change: c.1221-8T>C on transcript NM_006846.4 (MANE Select); 8 bases into the intron before coding-DNA position 1221, T replaced by C.
Molecular consequence: intron variant.
Genome position (GRCh38, 1-based): chr5:148,101,347, T>C. VCF-style: chr5-148101347-T-C. GRCh37 (hg19) VCF-style: chr5-147480910-T-C.
Other names: c.1221-8T>C (NM_001127698.2, NM_001127699.2, NM_006846.3).
Identifiers: ClinVar variation 1143257 (VCV001143257.13), dbSNP rs761917047, ClinGen allele CA3495517.

ClinVar aggregate classification (germline): Likely benign. Review status: criteria provided, multiple submitters, no conflicts (2 of 4 stars). 4 submissions from 4 submitters: Likely benign (3). 1 of the submissions does not count toward it. Last evaluated 2026-07-01.

Conditions:
Ichthyosis linearis circumflexa. Identifiers: MedGen C0265962, MONDO:0043106, HP:0025810.
SPINK5-related disorder. Also called: SPINK5-related condition.

Allele frequency attached by ClinVar (database versions not stated): ExAC 0.00011; gnomAD exomes 0.00013 and 0.00018; gnomAD 0.00019; TOPMed 0.00031.
gnomAD v4.1: 208 of 1,596,428 alleles (0.013%); highest among the groups gnomAD compares: Admixed American, 0.067%; no homozygotes.

Submissions (4):

CeGaT Center for Human Genetics Tuebingen
Classification: Likely benign. Last evaluated: 2026-07-01. Review status: criteria provided, single submitter. Criteria: CeGaT Center For Human Genetics Tuebingen Variant Classification Criteria Version 2. Collection method: clinical testing. Allele origin: germline. Affected: yes. Observed: 1 variant allele.
Comment: SPINK5: BP4

Labcorp Genetics (formerly Invitae), Labcorp
Classification: Likely benign for Ichthyosis linearis circumflexa. Last evaluated: 2025-12-22. Review status: criteria provided, single submitter. Criteria: Invitae Variant Classification Sherloc (09022015). Collection method: clinical testing. Allele origin: germline.

Blueprint Genetics
Classification: Likely benign. Last evaluated: 2024-08-27. Review status: criteria provided, single submitter. Criteria: ACMG Guidelines, 2015. Collection method: clinical testing. Allele origin: germline.

PreventionGenetics, part of Exact Sciences
Classification: Likely benign for SPINK5-related condition. Last evaluated: 2019-05-10. Review status: no assertion criteria provided. Collection method: clinical testing. Allele origin: germline. Not counted in ClinVar's aggregate classification.
Comment: This variant is classified as likely benign based on ACMG/AMP sequence variant interpretation guidelines (Richards et al. 2015 PMID: 25741868, with internal and published modifications).